The following is an entry in ClinVar:

NM_015072.5(TTLL5):c.578T>G (p.Ile193Ser)

Gene: TTLL5 (tubulin tyrosine ligase like 5; plus strand). Cytogenetic location: 14q24.3.
Variant type: single nucleotide variant.
Coding change: c.578T>G on transcript NM_015072.5 (MANE Select); coding-DNA position 578, T replaced by G.
Protein change: p.Ile193Ser; replaces isoleucine 193 with serine.
Molecular consequence: missense variant.
Genome position (GRCh38, 1-based): chr14:75,699,263, T>G. VCF-style: chr14-75699263-T-G. GRCh37 (hg19) VCF-style: chr14-76165606-T-G.
Other names: short protein forms I193S.
Identifiers: ClinVar variation 1063444 (VCV001063444.7), dbSNP rs1293580959, ClinGen allele CA390455672.
Genomic context (GRCh38, chr14:75,699,263, plus strand): 5'-ACCGGGGACCTTGGATAGTAAAACCAGTGGCATCTTCAAGGGGGCGGGGCGTCTACCTGA[T>G]CAACAATGTAAGTATGCAGCAGATGGCAAACCTCTCTCCTCACTTGTTCTTTCCTCCTTC-3'
Protein context (NP_055887.3, residues 183-203): ASSRGRGVYL[Ile193Ser]NNPNQISLEE

ClinVar aggregate classification (germline): Uncertain significance (1 of 4 stars; one submission).

Allele frequency attached by ClinVar (database versions not stated): gnomAD exomes below 0.00001.
gnomAD v4.1: 12 of 1,613,836 alleles (0.00074%); highest among the groups gnomAD compares: Non-Finnish European, 0.001%; no homozygotes.

Submission:

Labcorp Genetics (formerly Invitae), Labcorp
Classification: Uncertain significance. Last evaluated: 2021-10-24. Review status: criteria provided, single submitter. Criteria: Invitae Variant Classification Sherloc (09022015). Collection method: clinical testing. Allele origin: germline.
Comment: In summary, the available evidence is currently insufficient to determine the role of this variant in disease. Therefore, it has been classified as a Variant of Uncertain Significance. Algorithms developed to predict the effect of missense changes on protein structure and function are either unavailable or do not agree on the potential impact of this missense change (SIFT: "Deleterious"; PolyPhen-2: "Benign"; Align-GVGD: "Class C15"). This variant has not been reported in the literature in individuals affected with TTLL5-related conditions. This variant is not present in population databases (ExAC no frequency). This sequence change replaces isoleucine with serine at codon 193 of the TTLL5 protein (p.Ile193Ser). The isoleucine residue is moderately conserved and there is a large physicochemical difference between isoleucine and serine.